The following is an entry in ClinVar:

NM_182493.3(MYLK3):c.1243G>A (p.Glu415Lys)

Gene: MYLK3 (myosin light chain kinase 3; minus strand). Cytogenetic location: 16q11.2.
Variant type: single nucleotide variant.
Coding change: c.1243G>A on transcript NM_182493.3 (MANE Select); coding-DNA position 1243, G replaced by A.
Protein change: p.Glu415Lys; replaces glutamic acid 415 with lysine.
Molecular consequence: missense variant.
Genome position (GRCh38, 1-based): chr16:46,732,427, C>T on the plus strand (G>A on the coding strand, the complement: MYLK3 is on the minus strand). VCF-style: chr16-46732427-C-T. GRCh37 (hg19) VCF-style: chr16-46766339-C-T.
Other names: c.220G>A, p.Glu74Lys (NM_001308301.1); short protein forms E415K, E74K.
Identifiers: ClinVar variation 1918940 (VCV001918940.5), dbSNP rs748620625, ClinGen allele CA8038039.

ClinVar aggregate classification (germline): Uncertain significance (1 of 4 stars; one submission).

Allele frequency attached by ClinVar (database versions not stated): ExAC 0.00002; gnomAD exomes 0.00002; TOPMed 0.00002; gnomAD 0.00003.

Submission:

Labcorp Genetics (formerly Invitae), Labcorp
Classification: Uncertain significance. Last evaluated: 2025-11-06. Review status: criteria provided, single submitter. Criteria: Invitae Variant Classification Sherloc (09022015). Collection method: clinical testing. Allele origin: germline.
Comment: This sequence change replaces glutamic acid, which is acidic and polar, with lysine, which is basic and polar, at codon 415 of the MYLK3 protein (p.Glu415Lys). This variant is present in population databases (rs748620625, gnomAD 0.004%). This variant has not been reported in the literature in individuals affected with MYLK3-related conditions. ClinVar contains an entry for this variant (Variation ID: 1918940). An algorithm developed to predict the effect of missense changes on protein structure and function outputs the following: PolyPhen-2: "Benign". The lysine amino acid residue is found in multiple mammalian species, which suggests that this missense change does not adversely affect protein function. In summary, the available evidence is currently insufficient to determine the role of this variant in disease. Therefore, it has been classified as a Variant of Uncertain Significance.